The following is an entry in ClinVar:

NM_000089.4(COL1A2):c.1163G>A (p.Gly388Glu)

Gene: COL1A2 (collagen type I alpha 2 chain; plus strand). Cytogenetic location: 7q21.3.
Variant type: single nucleotide variant.
Coding change: c.1163G>A on transcript NM_000089.4 (MANE Select); coding-DNA position 1163, G replaced by A.
Protein change: p.Gly388Glu; replaces glycine 388 with glutamic acid.
Molecular consequence: missense variant.
Genome position (GRCh38, 1-based): chr7:94,410,493, G>A. VCF-style: chr7-94410493-G-A. GRCh37 (hg19) VCF-style: chr7-94039805-G-A.
Other names: short protein forms G388E.
Identifiers: ClinVar variation 1705642 (VCV001705642.1), dbSNP rs72658106, ClinGen allele CA368221285.

ClinVar aggregate classification (germline): Uncertain significance (1 of 4 stars; one submission).

Conditions:
Osteogenesis imperfecta type III (OI3). Also called: Progressively Deforming Osteogenesis Imperfecta; Osteogenesis imperfecta type 3; OI type 3; Osteogenesis imperfecta, progressively deforming with normal sclerae; OI type III. Identifiers: Orphanet 216812, Orphanet 666, MedGen C0268362, MONDO:0009804, OMIM 259420.

Submission:

3billion
Classification: Uncertain significance for Osteogenesis imperfecta type III. Last evaluated: 2022-09-01. Review status: criteria provided, single submitter. Criteria: ACMG Guidelines, 2015. Collection method: clinical testing. Allele origin: germline. Affected: yes. Observed: 1 heterozygote.
Comment: The variant is not observed in the gnomAD v2.1.1 dataset. Missense changes are a common disease-causing mechanism. In silico tool predictions suggest damaging effect of the variant on gene or gene product (REVEL: 0.98; 3Cnet: 1.00). Different missense changes at the same codon (p.Gly388Arg, p.Gly388Val) have been reported to be associated with COL1A2 -related disorder (PMID: 17078022 , 26177859). However, the evidence of pathogenicity is insufficient at this time. Therefore, this variant is classified as uncertain significance according to the recommendation of ACMG/AMP guideline.

Literature cited by the submitters: PubMed 26177859; PubMed 17078022.